The following is an entry in ClinVar:

NM_003873.7(NRP1):c.2349C>T (p.Gly783=)

Gene: NRP1 (neuropilin 1; minus strand). Cytogenetic location: 10p11.22.
Variant type: single nucleotide variant.
Coding change: c.2349C>T on transcript NM_003873.7 (MANE Select); coding-DNA position 2349, C replaced by T.
Protein change: p.Gly783=; no amino-acid change (glycine 783 retained).
Molecular consequence: synonymous variant. On other transcripts: non-coding transcript variant (1).
Genome position (GRCh38, 1-based): chr10:33,185,710, G>A on the plus strand (C>T on the coding strand, the complement: NRP1 is on the minus strand). VCF-style: chr10-33185710-G-A. GRCh37 (hg19) VCF-style: chr10-33474638-G-A.
Other names: c.2331C>T, p.Gly777= (NM_001244972.2); c.2328C>T, p.Gly776= (NM_001244973.2); c.2349C>T, p.Gly783= (NM_001330068.2).
Identifiers: ClinVar variation 3057448 (VCV003057448.2), dbSNP rs143858258, ClinGen allele CA5466208.
Genomic context (GRCh38, chr10:33,185,710, plus strand): 5'-GTGGTTATTAATACTAATGTCATCCACAGCAATCCCACCAAGGTTTCCTTTTCCGATTTC[G>A]CCCTCGAAAATCACCTAACAAAATAAGATCATTTTCACAGTATTGAAATGCTCATCTCAC-3'
Protein context (NP_003864.5, residues 773-793): SLKLYQVIFE[Gly783=]EIGKGNLGGI

ClinVar aggregate classification (germline): Likely benign (0 of 4 stars; one submission).

Conditions:
NRP1-related disorder. Also called: NRP1-related condition.

gnomAD v4.1: 17 of 1,613,438 alleles (0.0011%); highest among the groups gnomAD compares: Admixed American, 0.005%; no homozygotes.

Submission:

PreventionGenetics, part of Exact Sciences
Classification: Likely benign for NRP1-related condition. Last evaluated: 2023-01-05. Review status: no assertion criteria provided. Collection method: clinical testing. Allele origin: germline.
Comment: This variant is classified as likely benign based on ACMG/AMP sequence variant interpretation guidelines (Richards et al. 2015 PMID: 25741868, with internal and published modifications).